The following is an entry in ClinVar:

ClinVar aggregate classification (germline): Likely benign. Review status: criteria provided, multiple submitters, no conflicts (2 of 4 stars). 7 submissions from 7 submitters: Likely benign (4). 3 of the submissions do not count toward it. Last evaluated 2026-04-01.

Conditions:
ATXN7-related disorder. Also called: ATXN7-related condition.

Allele frequency attached by ClinVar (database versions not stated): 1000 Genomes Project 30x 0.00125; 1000 Genomes Project 0.00160; TOPMed 0.00380; gnomAD exomes 0.00397 and 0.00579; gnomAD 0.00398 and 0.00411; ExAC 0.00419; ESP Exome Variant Server 0.00570.
gnomAD v4.1: 9,000 of 1,613,846 alleles (0.56%); highest among the groups gnomAD compares: Non-Finnish European, 0.67%; 36 homozygotes.

Submissions (7):

CeGaT Center for Human Genetics Tuebingen
Classification: Likely benign. Last evaluated: 2026-04-01. Review status: criteria provided, single submitter. Criteria: CeGaT Center For Human Genetics Tuebingen Variant Classification Criteria Version 2. Collection method: clinical testing. Allele origin: germline. Affected: yes. Observed: 1 variant allele.
Comment: ATXN7: BP4, BS2

Blueprint Genetics
Classification: Likely benign. Last evaluated: 2024-11-23. Review status: criteria provided, single submitter. Criteria: ACMG Guidelines, 2015. Collection method: clinical testing. Allele origin: germline.

Institute for Genomic Medicine (IGM) Clinical Laboratory, Nationwide Children's Hospital
Classification: Likely benign. Last evaluated: 2017-06-26. Review status: criteria provided, single submitter. Criteria: ACMG Guidelines, 2015. Collection method: clinical testing. Allele origin: germline.
Comment: BS1, BP4; This alteration has an allele frequency that is greater than expected for the associated disease, and is predicted to be tolerated by multiple functional prediction tools.

Breakthrough Genomics
Classification: Likely benign. Review status: criteria provided, single submitter. Criteria: ACMG Guidelines, 2015. Collection method: not provided. Allele origin: germline. Inheritance: Autosomal dominant inheritance. Affected: yes.

PreventionGenetics, part of Exact Sciences
Classification: Benign for ATXN7-related condition. Last evaluated: 2020-03-18. Review status: no assertion criteria provided. Collection method: clinical testing. Allele origin: germline. Not counted in ClinVar's aggregate classification.
Comment: This variant is classified as benign based on ACMG/AMP sequence variant interpretation guidelines (Richards et al. 2015 PMID: 25741868, with internal and published modifications).

Clinical Genetics DNA and cytogenetics Diagnostics Lab, Erasmus MC, Erasmus Medical Center
Classification: Likely benign. Review status: no assertion criteria provided. Collection method: clinical testing. Allele origin: germline. Affected: yes. Study: VKGL Data-share Consensus. Not counted in ClinVar's aggregate classification.

Genome Diagnostics Laboratory, University Medical Center Utrecht
Classification: Likely benign. Review status: no assertion criteria provided. Collection method: clinical testing. Allele origin: germline. Affected: yes. Study: VKGL Data-share Consensus. Not counted in ClinVar's aggregate classification.

NM_001377405.1(ATXN7):c.*14C>A

Gene: ATXN7 (ataxin 7; plus strand). Cytogenetic location: 3p14.1.
Variant type: single nucleotide variant.
Coding change: c.*14C>A on transcript NM_001377405.1 (MANE Select); 14 bases downstream of the stop codon, C replaced by A.
Molecular consequence: 3 prime UTR variant. On other transcripts: missense variant (1).
Genome position (GRCh38, 1-based): chr3:63,999,481, C>A. VCF-style: chr3-63999481-C-A. GRCh37 (hg19) VCF-style: chr3-63985157-C-A.
Other names: c.*14C>A (NM_000333.4, NM_001128149.3, NM_001377406.1); c.2760C>A, p.Ser920Arg (NM_001177387.1); short protein forms S920R.
Identifiers: ClinVar variation 599471 (VCV000599471.14), dbSNP rs180696871, ClinGen allele CA2478943.
Genomic context (GRCh38, chr3:63,999,481, plus strand): 5'-TTATTTCCCCACCCCCTCTTTTTTGAAAGCCAAAGGCACGTCCCTGACAGCTGAAAATAG[C>A]ACGGGGAGGAATAATGCGGACACTTTTGAGGACAAGTTACACCTCCACTCAGCACTCTGG-3'